The following is an entry in ClinVar:

ClinVar aggregate classification (germline): Conflicting classifications of pathogenicity. Review status: criteria provided, conflicting classifications (1 of 4 stars). 3 submissions from 3 submitters: Uncertain significance (2); Likely benign (1). Last evaluated 2025-12-17.

Conditions:
Inborn genetic diseases. Identifiers: MedGen C0950123, MeSH D030342.
COL7A1-related disorder. Also called: COL7A1-related condition; COL7A1- related disorders.

Allele frequency attached by ClinVar (database versions not stated): TOPMed 0.00005; ExAC 0.00002; gnomAD 0.00003.
gnomAD v4.1: 21 of 1,613,634 alleles (0.0013%); highest among the groups gnomAD compares: African/African-American, 0.004%; no homozygotes.

Submissions (3):

Labcorp Genetics (formerly Invitae), Labcorp
Classification: Likely benign. Last evaluated: 2025-12-17. Review status: criteria provided, single submitter. Criteria: Invitae Variant Classification Sherloc (09022015). Collection method: clinical testing. Allele origin: germline.

Ambry Genetics
Classification: Uncertain significance for Inborn genetic diseases. Last evaluated: 2025-12-10. Review status: criteria provided, single submitter. Criteria: Ambry Variant Classification Scheme 2023. Collection method: clinical testing. Allele origin: germline.

PreventionGenetics, part of Exact Sciences
Classification: Uncertain significance for COL7A1-related condition. Last evaluated: 2023-04-07. Review status: criteria provided, single submitter. Criteria: ACMG Guidelines, 2015. Collection method: clinical testing. Allele origin: germline.
Comment: The COL7A1 c.3364C>T variant is predicted to result in the amino acid substitution p.Arg1122Cys. To our knowledge, this variant has not been reported in the literature. This variant is reported in 0.0080% of alleles in individuals of African descent in gnomAD. At this time, the clinical significance of this variant is uncertain due to the absence of conclusive functional and genetic evidence.

NM_000094.4(COL7A1):c.3364C>T (p.Arg1122Cys)

Gene: COL7A1 (collagen type VII alpha 1 chain; minus strand). Cytogenetic location: 3p21.31.
Variant type: single nucleotide variant.
Coding change: c.3364C>T on transcript NM_000094.4 (MANE Select); coding-DNA position 3364, C replaced by T.
Protein change: p.Arg1122Cys; replaces arginine 1122 with cysteine.
Molecular consequence: missense variant.
Genome position (GRCh38, 1-based): chr3:48,586,602, G>A on the plus strand (C>T on the coding strand, the complement: COL7A1 is on the minus strand). VCF-style: chr3-48586602-G-A. GRCh37 (hg19) VCF-style: chr3-48624035-G-A.
Other names: short protein forms R1122C.
Identifiers: ClinVar variation 2150076 (VCV002150076.8), dbSNP rs775695539, ClinGen allele CA2380553.